The following is an entry in ClinVar:

NM_004415.4(DSP):c.6510_6511insCT (p.Asn2171fs)

Gene: DSP (desmoplakin; plus strand). Cytogenetic location: 6p24.3.
Variant type: Insertion.
Coding change: c.6510_6511insCT on transcript NM_004415.4 (MANE Select); coding-DNA positions 6510 to 6511, CT inserted.
Protein change: p.Asn2171fs; shifts the reading frame from asparagine 2171.
Molecular consequence: frameshift variant.
Genome position: GRCh38 VCF-style: chr6-7583772-A-ACT. GRCh37 (hg19) VCF-style: chr6-7584005-A-ACT.
Other names: c.6510_6511insCT (LRG_423t1); c.4713_4714insCT, p.Asn1572fs (NM_001008844.3); c.5181_5182insCT, p.Asn1728fs (NM_001319034.2); short protein forms N1572fs, N1728fs, N2171fs.
Identifiers: ClinVar variation 199927 (VCV000199927.13), dbSNP rs794728148, ClinGen allele CA006967.

ClinVar aggregate classification (germline): Pathogenic. Review status: criteria provided, multiple submitters, no conflicts (2 of 4 stars). 3 submissions from 3 submitters: Pathogenic (3). Last evaluated 2025-09-15.

Conditions:
Cardiovascular phenotype. Identifiers: MedGen CN230736.
Arrhythmogenic cardiomyopathy with wooly hair and keratoderma. Also called: Carvajal syndrome; Dilated cardiomyopathy with woolly hair and keratoderma; Arrhythmogenic cardiomyopathy with woolly hair and keratoderma; PALMOPLANTAR KERATODERMA WITH LEFT VENTRICULAR CARDIOMYOPATHY AND WOOLLY HAIR. Identifiers: Orphanet 65282, MedGen C1854063, MONDO:0011581, OMIM 605676.
Arrhythmogenic right ventricular dysplasia 8 (ARVD8). Also called: Arrhythmogenic Right Ventricular Dysplasia/Cardiomyopathy 8; ARRHYTHMOGENIC RIGHT VENTRICULAR CARDIOMYOPATHY 8; ARRHYTHMOGENIC RIGHT VENTRICULAR DYSPLASIA, FAMILIAL, 8. Identifiers: MedGen C1843896, MONDO:0011831, OMIM 607450.

Submissions (3):

Ambry Genetics
Classification: Pathogenic for Cardiovascular phenotype. Last evaluated: 2025-09-15. Review status: criteria provided, single submitter. Criteria: Ambry Variant Classification Scheme 2023. Collection method: clinical testing. Allele origin: germline.
Comment: The c.6510_6511insCT pathogenic mutation, located in coding exon 24 of the DSP gene, results from an insertion of two nucleotides at position 6510, causing a translational frameshift with a predicted alternate stop codon (p.N2171Lfs*17). This alteration occurs at the 3' terminus of the gene, is not expected to trigger nonsense-mediated mRNA decay, and impacts the last 24% of the protein. However, premature stop codons are typically deleterious in nature and the impacted region is critical for protein function (Ambry internal data). This variant was reported in individual(s) with features consistent with DSP-related cardiocutaneous spectrum disorders (Akintoye E et al. HeartRhythm Case Rep, 2021 May;7:312-315). This variant is considered to be rare based on population cohorts in the Genome Aggregation Database (gnomAD). Based on the supporting evidence, this variant is interpreted as a disease-causing mutation.

Labcorp Genetics (formerly Invitae), Labcorp
Classification: Pathogenic for Arrhythmogenic cardiomyopathy with wooly hair and keratoderma; Arrhythmogenic right ventricular dysplasia 8. Last evaluated: 2025-06-22. Review status: criteria provided, single submitter. Criteria: Invitae Variant Classification Sherloc (09022015). Collection method: clinical testing. Allele origin: germline.
Comment: This sequence change creates a premature translational stop signal (p.Asn2171Leufs*17) in the DSP gene. While this is not anticipated to result in nonsense mediated decay, it is expected to disrupt the last 701 amino acid(s) of the DSP protein. This variant is not present in population databases (gnomAD no frequency). This variant has not been reported in the literature in individuals affected with DSP-related conditions. ClinVar contains an entry for this variant (Variation ID: 199927). This variant disrupts a region of the DSP protein in which other variant(s) (p.Thr2625Argfs*18, p.Ile2359Serfs*10, p.His2195Tyrfs*26) have been determined to be pathogenic (internal data). This suggests that this is a clinically significant region of the protein, and that variants that disrupt it are likely to be disease-causing. For these reasons, this variant has been classified as Pathogenic.

GeneDx
Classification: Pathogenic. Last evaluated: 2019-07-22. Review status: criteria provided, single submitter. Criteria: GeneDx Variant Classification Process June 2021. Collection method: clinical testing. Allele origin: germline. Affected: yes.
Comment: Has not been previously published as pathogenic or benign to our knowledge; Not observed in large population cohorts (Lek et al., 2016); Frameshift variant predicted to result in protein truncation in a gene for which loss-of-function is a known mechanism of disease

Literature cited by the submitters: PubMed 34026522 (cited by Ambry Genetics).